The following is an entry in ClinVar:

NM_020163.3(SEMA3G):c.340-8C>T

Gene: SEMA3G (semaphorin 3G; minus strand). Cytogenetic location: 3p21.1.
Variant type: single nucleotide variant.
Coding change: c.340-8C>T on transcript NM_020163.3 (MANE Select); 8 bases into the intron before coding-DNA position 340, C replaced by T.
Molecular consequence: intron variant.
Genome position (GRCh38, 1-based): chr3:52,442,312, G>A on the plus strand (C>T on the coding strand, the complement: SEMA3G is on the minus strand). VCF-style: chr3-52442312-G-A. GRCh37 (hg19) VCF-style: chr3-52476328-G-A.
Identifiers: ClinVar variation 4991850 (VCV004991850.1).

ClinVar aggregate classification (germline): Likely benign (1 of 4 stars; one submission).

Conditions:
SEMA3G-related disorder. Also called: SEMA3G-related condition.

Submission:

PreventionGenetics, part of Exact Sciences
Classification: Likely benign for SEMA3G-related condition. Last evaluated: 2026-04-24. Review status: criteria provided, single submitter. Criteria: ACMG Guidelines, 2015. Collection method: clinical testing. Allele origin: germline.
Comment: This variant is classified as likely benign based on ACMG/AMP sequence variant interpretation guidelines (Richards et al. 2015 PMID: 25741868, with internal and published modifications).